The following is an entry in ClinVar:

NM_014694.4(ADAMTSL2):c.1998C>G (p.Cys666Trp)

Gene: ADAMTSL2 (ADAMTS like 2; plus strand). Cytogenetic location: 9q34.2.
Variant type: single nucleotide variant.
Coding change: c.1998C>G on transcript NM_014694.4 (MANE Select); coding-DNA position 1998, C replaced by G.
Protein change: p.Cys666Trp; replaces cysteine 666 with tryptophan.
Molecular consequence: missense variant.
Genome position (GRCh38, 1-based): chr9:133,568,396, C>G. VCF-style: chr9-133568396-C-G. GRCh37 (hg19) VCF-style: chr9-136433518-C-G.
Other names: c.1998C>G, p.Cys666Trp (NM_001145320.2); short protein forms C666W.
Identifiers: ClinVar variation 1710158 (VCV001710158.3), dbSNP rs1275994903, ClinGen allele CA375403623.
Genomic context (GRCh38, chr9:133,568,396, plus strand): 5'-CGTGCGCTGCTGGAAGATGCTCTCGCCCGGCTTCGACAGCTCCGTGTACAGCGACCTGTG[C>G]GAGGCAGCCGAGGCCGTGCGGCCCGAGGAACGCAAGACCTGCCGGAACCCCGCCTGCGGG-3'
Protein context (NP_055509.2, residues 656-676): GFDSSVYSDL[Cys666Trp]EAAEAVRPEE

ClinVar aggregate classification (germline): Uncertain significance. Review status: criteria provided, multiple submitters, no conflicts (2 of 4 stars). 2 submissions from 2 submitters: Uncertain significance (2). Last evaluated 2026-03-02.

Conditions:
Lethal short-limb skeletal dysplasia, Al Gazali type. Also called: Lethal neonatal short limb dwarfism. Identifiers: Orphanet 646136, MedGen C1832435, MONDO:0011051, OMIM 601356.

Submissions (2):

Dasa
Classification: Uncertain significance. Last evaluated: 2026-03-02. Review status: criteria provided, single submitter. Criteria: DASA Assertion Criteria. Collection method: clinical testing. Allele origin: germline.
Comment: NM_014694.4(ADAMTSL2):c.1998C>G (p.Cys666Trp) is a missense variant that results in the substitution of cysteine with tryptophan. This variant has been reported in individuals with ADAMTSL2-related disorders (PMID: 36896612). Also, this variant is absent from population databases. The currently available literature and clinical evidence are not sufficient to establish a definitive association between this variant and the reported condition. Therefore, this variant is classified as a variant of uncertain significance.

Rare Disease Group, Clinical Genetics, Karolinska Institutet
Classification: Uncertain significance for Lethal short-limb skeletal dysplasia, Al Gazali type. Last evaluated: 2022-10-11. Review status: criteria provided, single submitter. Criteria: ACMG Guidelines, 2015. Collection method: clinical testing. Allele origin: germline. Affected: yes.

Literature cited by the submitters: PubMed 36896612 (cited by Dasa).